The following is an entry in ClinVar:

NM_001375808.2(LPIN2):c.830A>G (p.Lys277Arg)

Gene: LPIN2 (lipin 2; minus strand). Cytogenetic location: 18p11.31.
Variant type: single nucleotide variant.
Coding change: c.830A>G on transcript NM_001375808.2 (MANE Select); coding-DNA position 830, A replaced by G.
Protein change: p.Lys277Arg; replaces lysine 277 with arginine.
Molecular consequence: missense variant.
Genome position (GRCh38, 1-based): chr18:2,938,030, T>C on the plus strand (A>G on the coding strand, the complement: LPIN2 is on the minus strand). VCF-style: chr18-2938030-T-C. GRCh37 (hg19) VCF-style: chr18-2938028-T-C.
Other names: c.830A>G, p.Lys277Arg (NM_001375809.1, NM_014646.2); short protein forms K277R.
Identifiers: ClinVar variation 847591 (VCV000847591.7), dbSNP rs1171826173, ClinGen allele CA401707068.

ClinVar aggregate classification (germline): Uncertain significance (1 of 4 stars; one submission).

Conditions:
Majeed syndrome (MJDS). Also called: LPIN2-Related Majeed Syndrome; CHRONIC RECURRENT MULTIFOCAL OSTEOMYELITIS 1, WITH CONGENITAL DYSERYTHROPOIETIC ANEMIA, WITH OR WITHOUT NEUTROPHILIC DERMATOSIS. Identifiers: Orphanet 77297, MedGen C1864997, MONDO:0012316, OMIM 609628.

Allele frequency attached by ClinVar (database versions not stated): gnomAD exomes below 0.00001.
gnomAD v4.1: 3 of 1,613,376 alleles (0.00019%); highest among the groups gnomAD compares: Middle Eastern, 0.017%; no homozygotes.

Submission:

Labcorp Genetics (formerly Invitae), Labcorp
Classification: Uncertain significance for Majeed syndrome. Last evaluated: 2021-09-01. Review status: criteria provided, single submitter. Criteria: Invitae Variant Classification Sherloc (09022015). Collection method: clinical testing. Allele origin: germline.
Comment: This sequence change replaces lysine with arginine at codon 277 of the LPIN2 protein (p.Lys277Arg). The lysine residue is moderately conserved and there is a small physicochemical difference between lysine and arginine. This variant is not present in population databases (ExAC no frequency). This variant has not been reported in the literature in individuals affected with LPIN2-related conditions. Algorithms developed to predict the effect of missense changes on protein structure and function (SIFT, PolyPhen-2, Align-GVGD) all suggest that this variant is likely to be tolerated. In summary, the available evidence is currently insufficient to determine the role of this variant in disease. Therefore, it has been classified as a Variant of Uncertain Significance.